The following is an entry in ClinVar:

NM_198565.3(NRROS):c.1509C>G (p.Leu503=)

Gene: NRROS (negative regulator of reactive oxygen species; plus strand). Cytogenetic location: 3q29.
Variant type: single nucleotide variant.
Coding change: c.1509C>G on transcript NM_198565.3 (MANE Select); coding-DNA position 1509, C replaced by G.
Protein change: p.Leu503=; no amino-acid change (leucine 503 retained).
Molecular consequence: synonymous variant.
Genome position (GRCh38, 1-based): chr3:196,661,152, C>G. VCF-style: chr3-196661152-C-G. GRCh37 (hg19) VCF-style: chr3-196388023-C-G.
Other names: p.Leu503=.
Identifiers: ClinVar variation 4684763 (VCV004684763.1).
Genomic context (GRCh38, chr3:196,661,152, plus strand): 5'-AGGGACCTCCCTGACCTACTTAGACCTCTCAAGCAACTGGGGGGTTCTGAATGGGAGCCT[C>G]GCCCCACTCCAGGATGTTGCCCCCATGTTACAGGTCCTGTCTCTCAGGAACATGGGCCTC-3'
Protein context (NP_940967.1, residues 493-513): SSNWGVLNGS[Leu503=]APLQDVAPML

ClinVar aggregate classification (germline): Benign (1 of 4 stars; one submission).

gnomAD v4.1: 28,554 of 1,612,418 alleles (1.8%); highest among the groups gnomAD compares: Non-Finnish European, 2%; 344 homozygotes.

Submission:

Mayo Clinic Laboratories, Mayo Clinic
Classification: Benign. Last evaluated: 2023-07-07. Review status: criteria provided, single submitter. Criteria: ACMG Guidelines, 2015. Collection method: clinical testing. Allele origin: germline. Observed: 4 variant alleles.
Comment: BS1, BS2, BP4, BP7